The following is an entry in ClinVar:

NM_030962.4(SBF2):c.56-8A>C

Gene: SBF2 (SET binding factor 2; minus strand). Cytogenetic location: 11p15.4.
Variant type: single nucleotide variant.
Coding change: c.56-8A>C on transcript NM_030962.4 (MANE Select); 8 bases into the intron before coding-DNA position 56, A replaced by C.
Molecular consequence: intron variant.
Genome position (GRCh38, 1-based): chr11:10,193,995, T>G on the plus strand (A>C on the coding strand, the complement: SBF2 is on the minus strand). VCF-style: chr11-10193995-T-G. GRCh37 (hg19) VCF-style: chr11-10215542-T-G.
Other names: c.56-8A>C (NM_001386342.1, NM_001386339.1).
Identifiers: ClinVar variation 696200 (VCV000696200.11), dbSNP rs369979138, ClinGen allele CA5882232.
Genomic context (GRCh38, chr11:10,193,995, plus strand): 5'-CCAGTCCTTCTGTGGAAATCTCTGGATTATTTTCCCCAGACCTTCTCCTGATCCTGTTAA[T>G]AAAATCAAAGTGAATCATTATTATAGGACACTAAAAACTACAAATACTCATTCTACTCTT-3'

ClinVar aggregate classification (germline): Likely benign. Review status: criteria provided, multiple submitters, no conflicts (2 of 4 stars). 3 submissions from 3 submitters: Likely benign (3). Last evaluated 2026-07-02.

Conditions:
SBF2-related disorder. Also called: SBF2-related condition.
Charcot-Marie-Tooth disease type 4. Also called: Charcot-Marie-Tooth disease, type IV; Charcot-Marie-Tooth, Type 4. Identifiers: Orphanet 64749, MedGen C4082197, MONDO:0018995.

Allele frequency attached by ClinVar (database versions not stated): ESP Exome Variant Server 0.00008; gnomAD 0.00020 and 0.00021; TOPMed 0.00022; gnomAD exomes 0.00002 and 0.00006; ExAC 0.00007.
gnomAD v4.1: 62 of 1,584,514 alleles (0.0039%); highest among the groups gnomAD compares: African/African-American, 0.075%; no homozygotes.

Submissions (3):

PreventionGenetics, part of Exact Sciences
Classification: Likely benign for SBF2-related condition. Last evaluated: 2026-07-02. Review status: criteria provided, single submitter. Criteria: ACMG Guidelines, 2015. Collection method: clinical testing. Allele origin: germline.
Comment: This variant is classified as likely benign based on ACMG/AMP sequence variant interpretation guidelines (Richards et al. 2015 PMID: 25741868, with internal and published modifications).

Labcorp Genetics (formerly Invitae), Labcorp
Classification: Likely benign for Charcot-Marie-Tooth disease type 4. Last evaluated: 2025-09-08. Review status: criteria provided, single submitter. Criteria: Invitae Variant Classification Sherloc (09022015). Collection method: clinical testing. Allele origin: germline.

Blueprint Genetics
Classification: Likely benign. Last evaluated: 2022-07-13. Review status: criteria provided, single submitter. Criteria: ACMG Guidelines, 2015. Collection method: clinical testing. Allele origin: germline.